The following continues an entry in ClinVar:

NM_198253.3(TERT):c.1317GGA[2] (p.Glu441del)

Gene: TERT. ClinVar aggregate classification (germline): Conflicting classifications of pathogenicity. Uncertain significance (3); Benign (1); Likely benign (10).

Submissions 16 to 17 of 17:

Department of Pathology and Laboratory Medicine, Sinai Health System
Classification: Likely benign. Review status: no assertion criteria provided. Collection method: clinical testing. Allele origin: unknown. Affected: yes. Study: The Canadian Open Genetics Repository (COGR). Not counted in ClinVar's aggregate classification.
Comment: The TERT p.Glu441del variant was identified in the literature in two patients with aplastic anemia, a patient with acute myeloid leukemia and another patient with cirrhosis caused by alcohol (Yamaguchi_2005_PMID:15814878; Calado_2009_PMID:19674077; Calado_2009_PMID:19147845; Calado_2011_PMID:21520173). The variant was identified in dbSNP (ID: rs377639087), Cosmic, LOVD 3.0 and ClinVar (classified as likely benign by GeneDx, Invitae, Laboratory for Molecular Medicine, Illumina and Genetic Services Laboratory, University of Chicago and as uncertain significance by EGL Genetics and Center for Genomics, Ann and Robert H. Lurie Children's Hospital of Chicago). The variant was identified in control databases in 311 of 180940 chromosomes at a frequency of 0.001719 increasing the likelihood this could be a low frequency benign variant (Genome Aggregation Database March 6, 2019, v2.1.1). The variant was observed in the following populations: European (non-Finnish) in 261 of 72072 chromosomes (freq: 0.003621), Other in 14 of 5334 chromosomes (freq: 0.002625), Ashkenazi Jewish in 9 of 8490 chromosomes (freq: 0.00106), European (Finnish) in 10 of 18616 chromosomes (freq: 0.000537), Latino in 11 of 25422 chromosomes (freq: 0.000433), African in 5 of 15812 chromosomes (freq: 0.000316) and South Asian in 1 of 22778 chromosomes (freq: 0.000044), but was not observed in the East Asian population. This variant is an in-frame deletion resulting in the removal of a glutamic acid (glu) residue at codon 441; the impact of this alteration on TERT protein function is not known. Functional studies have shown no association with telomere shortening but a decrease in telomere activity has been reported (Yamaguchi_2005_PMID:15814878; Calado_2009_PMID:19147845). The variant occurs outside of the splicing consensus sequence and in silico or computational prediction software programs (SpliceSiteFinder, MaxEntScan, NNSPLICE, GeneSplicer) do not predict a difference in splicing. In summary, based on the above information the clinical significance of this variant cannot be determined with certainty at this time although we would lean towards a more benign role for this variant. This variant is classified as likely benign.

Molecular Oncology -  Human Genetics Lab, University of Sao Paulo
Classification: Pathogenic for Hepatoblastoma. Review status: flagged submission. Collection method: research. Allele origin: germline. Affected: yes. Not counted in ClinVar's aggregate classification.
ClinVar note: Reason: Outlier claim with insufficient supporting evidence

Literature cited by the submitters: PubMed 34426522 (cited by Mayo Clinic Laboratories, Mayo Clinic); PubMed 34573280 (cited by Mayo Clinic Laboratories, Mayo Clinic); PubMed 35495172 (cited by Mayo Clinic Laboratories, Mayo Clinic); PubMed 36863448 (cited by Mayo Clinic Laboratories, Mayo Clinic); PubMed 38282561 (cited by Mayo Clinic Laboratories, Mayo Clinic); PubMed 19674077 (cited by Laboratory for Molecular Medicine, Mass General Brigham Personalized Medicine); PubMed 23901009 (cited by Laboratory for Molecular Medicine, Mass General Brigham Personalized Medicine); PubMed 19147845 (cited by Laboratory for Molecular Medicine, Mass General Brigham Personalized Medicine); PubMed 21520173 (cited by Laboratory for Molecular Medicine, Mass General Brigham Personalized Medicine); PubMed 19760749 (cited by Laboratory for Molecular Medicine, Mass General Brigham Personalized Medicine); PubMed 15814878 (cited by Laboratory for Molecular Medicine, Mass General Brigham Personalized Medicine); PubMed 22853774 (cited by Laboratory for Molecular Medicine, Mass General Brigham Personalized Medicine); PubMed 27153395 (cited by Laboratory for Molecular Medicine, Mass General Brigham Personalized Medicine).